The following is an entry in ClinVar:

ClinVar aggregate classification (germline): Uncertain significance. Review status: criteria provided, multiple submitters, no conflicts (2 of 4 stars). 5 submissions from 5 submitters: Uncertain significance (5). Last evaluated 2026-01-19.

Conditions:
RYR1-related disorder. Also called: RYR1-related disorders; RYR1-related condition. Identifiers: MedGen CN239331.
Malignant hyperthermia, susceptibility to, 1 (MHS1). Also called: Anesthesia related hyperthermia; Malignant hyperpyrexia; Fulminating hyperpyrexia; Pharmacogenic myopathy; RYR1-Related Malignant Hyperthermia Susceptibility; Malignant hyperthermia suceptibility 1. Identifiers: Orphanet 423, MedGen C2930980, MONDO:0007783, OMIM 145600.
Central core myopathy (CMYO1A). Also called: CONGENITAL MYOPATHY 1A, AUTOSOMAL DOMINANT, WITH SUSCEPTIBILITY TO MALIGNANT HYPERTHERMIA; Central core disease; Myopathy, central fibrillar. Identifiers: Orphanet 597, MedGen C5830701, MONDO:0007294, OMIM 117000.
Congenital myopathy with fiber type disproportion. Also called: Congenital fiber-type disproportion; Congenital fiber-type disproportion myopathy. Identifiers: Orphanet 2020, MedGen C0546264, MONDO:0009711. Inheritance: all.
Congenital multicore myopathy with external ophthalmoplegia (CMYO1B). Also called: MULTICORE MYOPATHY; Congenital myopathy 1B, autosomal recessive; Minicore myopathy; MULTIMINICORE DISEASE WITH EXTERNAL OPHTHALMOPLEGIA; Minicore myopathy with external ophthalmoplegia. Identifiers: Orphanet 598, Orphanet 98905, MedGen C1850674, MONDO:0009712, OMIM 255320, HP:0003789.
King Denborough syndrome (KDS). Identifiers: MedGen C1840365, MONDO:0020485, OMIM 619542.

Allele frequency attached by ClinVar (database versions not stated): TOPMed below 0.00001; gnomAD 0.00001; gnomAD exomes 0.00001.
gnomAD v4.1: 3 of 1,549,988 alleles (0.00019%); highest among the groups gnomAD compares: Admixed American, 0.0058%; no homozygotes.

Submissions (5):

Labcorp Genetics (formerly Invitae), Labcorp
Classification: Uncertain significance for RYR1-related disorder. Last evaluated: 2026-01-19. Review status: criteria provided, single submitter. Criteria: Invitae Variant Classification Sherloc (09022015). Collection method: clinical testing. Allele origin: germline.
Comment: This sequence change replaces proline, which is neutral and non-polar, with arginine, which is basic and polar, at codon 1055 of the RYR1 protein (p.Pro1055Arg). This variant is present in population databases (no rsID available, gnomAD 0.008%). This variant has not been reported in the literature in individuals affected with RYR1-related conditions. ClinVar contains an entry for this variant (Variation ID: 1052759). Invitae Evidence Modeling of protein sequence and biophysical properties (such as structural, functional, and spatial information, amino acid conservation, physicochemical variation, residue mobility, and thermodynamic stability) indicates that this missense variant is expected to disrupt RYR1 protein function with a positive predictive value of 80%. In summary, the available evidence is currently insufficient to determine the role of this variant in disease. Therefore, it has been classified as a Variant of Uncertain Significance.

GeneDx
Classification: Uncertain significance. Last evaluated: 2025-06-04. Review status: criteria provided, single submitter. Criteria: GeneDx Variant Classification Process June 2021. Collection method: clinical testing. Allele origin: germline. Affected: yes.
Comment: Not observed at significant frequency in large population cohorts (gnomAD); In silico analysis supports that this missense variant has a deleterious effect on protein structure/function; Has not been previously published as pathogenic or benign to our knowledge

All of Us Research Program, National Institutes of Health
Classification: Uncertain significance for Malignant hyperthermia, susceptibility to, 1. Last evaluated: 2023-12-14. Review status: criteria provided, single submitter. Criteria: ACMG Guidelines, 2015. Collection method: clinical testing. Allele origin: germline. Inheritance: Autosomal dominant inheritance. Observed: 8 variant alleles, 8 heterozygotes.
Comment: This missense variant replaces proline with arginine at codon 1055 of the RYR1 protein. Computational prediction suggests that this variant may have deleterious impact on protein structure and function (internally defined REVEL score threshold >= 0.7, PMID: 27666373). To our knowledge, functional studies have not been reported for this variant. This variant has not been reported in individuals affected with RYR1-related disorders in the literature. This variant has been identified in 2/151940 chromosomes in the general population by the Genome Aggregation Database (gnomAD). The available evidence is insufficient to determine the role of this variant in disease conclusively. Therefore, this variant is classified as a Variant of Uncertain Significance.

This study involves interpretation of variants in research participants for the purpose of population health screening. Participant phenotype was not available at the time of variant classification. Additional details can be found in publication PMID: 35346344, PMCID: PMC8962531

Color Diagnostics, LLC DBA Color Health
Classification: Uncertain significance for Malignant hyperthermia, susceptibility to, 1. Last evaluated: 2023-11-15. Review status: criteria provided, single submitter. Criteria: ACMG Guidelines, 2015. Collection method: clinical testing. Allele origin: germline.
Comment: This missense variant replaces proline with arginine at codon 1055 of the RYR1 protein. Computational prediction suggests that this variant may have deleterious impact on protein structure and function. To our knowledge, functional studies have not been reported for this variant. This variant has not been reported in individuals affected with RYR1-related disorders in the literature. This variant has been identified in 2/151940 chromosomes in the general population by the Genome Aggregation Database (gnomAD). The available evidence is insufficient to determine the role of this variant in disease conclusively. Therefore, this variant is classified as a Variant of Uncertain Significance.

Fulgent Genetics
Classification: Uncertain significance for Central core myopathy; Malignant hyperthermia, susceptibility to, 1; Congenital myopathy 4A, autosomal dominant; Congenital multicore myopathy with external ophthalmoplegia; King Denborough syndrome. Last evaluated: 2021-11-11. Review status: criteria provided, single submitter. Criteria: ACMG Guidelines, 2015. Collection method: clinical testing. Allele origin: unknown.

NM_000540.3(RYR1):c.3164C>G (p.Pro1055Arg)

Gene: RYR1 (ryanodine receptor 1; plus strand). Cytogenetic location: 19q13.2.
Variant type: single nucleotide variant.
Coding change: c.3164C>G on transcript NM_000540.3 (MANE Select); coding-DNA position 3164, C replaced by G.
Protein change: p.Pro1055Arg; replaces proline 1055 with arginine.
Molecular consequence: missense variant.
Genome position (GRCh38, 1-based): chr19:38,466,384, C>G. VCF-style: chr19-38466384-C-G. GRCh37 (hg19) VCF-style: chr19-38957024-C-G.
Other names: c.3164C>G, p.Pro1055Arg (NM_001042723.2); c.3164C>G (NM_000540.2); short protein forms P1055R.
Identifiers: ClinVar variation 1052759 (VCV001052759.7), dbSNP rs1254584171, ClinGen allele CA405635956.
Genomic context (GRCh38, chr19:38,466,384, plus strand): 5'-GGGACAGCCTCTGCCAGGCCGTGCGCACCCTCCTGGGCTACGGCTACAACATCGAGCCTC[C>G]TGACCAGGAGCCCAGTGAGTGCTCACCCCTGGCCCTGGCCCTGACTCCTACCCCAACTCT-3'
Protein context (NP_000531.2, residues 1045-1065): LLGYGYNIEP[Pro1055Arg]DQEPSQVENQ